The following is an entry in ClinVar:

ClinVar aggregate classification (germline): Uncertain significance. Review status: criteria provided, multiple submitters, no conflicts (2 of 4 stars). 2 submissions from 2 submitters: Uncertain significance (2). Last evaluated 2024-04-19.

Conditions:
Inborn genetic diseases. Identifiers: MedGen C0950123, MeSH D030342.

Allele frequency attached by ClinVar (database versions not stated): gnomAD exomes below 0.00001; gnomAD 0.00001; TOPMed 0.00003; ESP Exome Variant Server 0.00008.
gnomAD v4.1: 5 of 1,612,956 alleles (0.00031%); highest among the groups gnomAD compares: African/African-American, 0.0067%; no homozygotes.

Submissions (2):

Ambry Genetics
Classification: Uncertain significance for Inborn genetic diseases. Last evaluated: 2024-04-19. Review status: criteria provided, single submitter. Criteria: Ambry Variant Classification Scheme 2023. Collection method: clinical testing. Allele origin: germline.

Labcorp Genetics (formerly Invitae), Labcorp
Classification: Uncertain significance. Last evaluated: 2023-10-03. Review status: criteria provided, single submitter. Criteria: Invitae Variant Classification Sherloc (09022015). Collection method: clinical testing. Allele origin: germline.
Comment: This sequence change replaces alanine, which is neutral and non-polar, with valine, which is neutral and non-polar, at codon 769 of the TUBGCP6 protein (p.Ala769Val). This variant is present in population databases (rs144099155, gnomAD 0.007%). This variant has not been reported in the literature in individuals affected with TUBGCP6-related conditions. ClinVar contains an entry for this variant (Variation ID: 1907319). An algorithm developed to predict the effect of missense changes on protein structure and function (PolyPhen-2) suggests that this variant is likely to be disruptive. In summary, the available evidence is currently insufficient to determine the role of this variant in disease. Therefore, it has been classified as a Variant of Uncertain Significance.

NM_020461.4(TUBGCP6):c.2306C>T (p.Ala769Val)

Gene: TUBGCP6 (tubulin gamma complex component 6; minus strand). Cytogenetic location: 22q13.33.
Variant type: single nucleotide variant.
Coding change: c.2306C>T on transcript NM_020461.4 (MANE Select); coding-DNA position 2306, C replaced by T.
Protein change: p.Ala769Val; replaces alanine 769 with valine.
Molecular consequence: missense variant.
Genome position (GRCh38, 1-based): chr22:50,222,557, G>A on the plus strand (C>T on the coding strand, the complement: TUBGCP6 is on the minus strand). VCF-style: chr22-50222557-G-A. GRCh37 (hg19) VCF-style: chr22-50660986-G-A.
Other names: c.2306C>T (NM_020461.3); short protein forms A769V.
Identifiers: ClinVar variation 1907319 (VCV001907319.6), dbSNP rs144099155, ClinGen allele CA325462144.